The following is an entry in ClinVar:

ClinVar aggregate classification (germline): Uncertain significance (1 of 4 stars; one submission).

Conditions:
Cardiomyopathy (CMYO). Also called: Cardiomyopathies. Identifiers: Orphanet 167848, MedGen C0878544, MONDO:0004994, HP:0001638. Inheritance: Various modes of inheritance.

Submission:

Color Diagnostics, LLC DBA Color Health
Classification: Uncertain significance for Cardiomyopathy. Last evaluated: 2024-12-18. Review status: criteria provided, single submitter. Criteria: ACMG Guidelines, 2015. Collection method: clinical testing. Allele origin: germline.
Comment: This missense variant replaces alanine with aspartic acid at codon 311 of the DSP protein. Computational prediction suggests that this variant may not impact protein structure and function. To our knowledge, functional studies have not been reported for this variant. This variant has not been reported in individuals affected with DSP-related disorders in the literature. This variant has not been identified in the general population by the Genome Aggregation Database (gnomAD). The available evidence is insufficient to determine the role of this variant in disease conclusively. Therefore, this variant is classified as a Variant of Uncertain Significance.

NM_004415.4(DSP):c.932C>A (p.Ala311Asp)

Gene: DSP (desmoplakin; plus strand). Cytogenetic location: 6p24.3.
Variant type: single nucleotide variant.
Coding change: c.932C>A on transcript NM_004415.4 (MANE Select); coding-DNA position 932, C replaced by A.
Protein change: p.Ala311Asp; replaces alanine 311 with aspartic acid.
Molecular consequence: missense variant.
Genome position (GRCh38, 1-based): chr6:7,565,513, C>A. VCF-style: chr6-7565513-C-A. GRCh37 (hg19) VCF-style: chr6-7565746-C-A.
Other names: c.932C>A, p.Ala311Asp (NM_001008844.3, NM_001319034.2, NM_001406591.1); short protein forms A311D.
Identifiers: ClinVar variation 3893911 (VCV003893911.1).